The following is an entry in ClinVar:

NM_001271.4(CHD2):c.3102G>A (p.Glu1034=)

Gene: CHD2 (chromodomain helicase DNA binding protein 2; plus strand). Cytogenetic location: 15q26.1.
Variant type: single nucleotide variant.
Coding change: c.3102G>A on transcript NM_001271.4 (MANE Select); coding-DNA position 3102, G replaced by A.
Protein change: p.Glu1034=; no amino-acid change (glutamic acid 1034 retained).
Molecular consequence: synonymous variant.
Genome position (GRCh38, 1-based): chr15:92,984,365, G>A. VCF-style: chr15-92984365-G-A. GRCh37 (hg19) VCF-style: chr15-93527595-G-A.
Identifiers: ClinVar variation 4822449 (VCV004822449.4).

ClinVar aggregate classification (germline): Likely benign (1 of 4 stars; one submission).

Submission:

CeGaT Center for Human Genetics Tuebingen
Classification: Likely benign. Last evaluated: 2026-03-01. Review status: criteria provided, single submitter. Criteria: CeGaT Center For Human Genetics Tuebingen Variant Classification Criteria Version 2. Collection method: clinical testing. Allele origin: germline. Affected: yes. Observed: 1 variant allele.
Comment: CHD2: PM2:Supporting, BP4, BP7